The following is an entry in ClinVar:

ClinVar aggregate classification (germline): Uncertain significance (1 of 4 stars; one submission).

Conditions:
Cardiovascular phenotype. Identifiers: MedGen CN230736.

Submission:

Ambry Genetics
Classification: Uncertain significance for Cardiovascular phenotype. Last evaluated: 2024-10-16. Review status: criteria provided, single submitter. Criteria: Ambry Variant Classification Scheme 2023. Collection method: clinical testing. Allele origin: germline.
Comment: The c.2191_2192delAT variant, located in coding exon 12 of the TTN gene, results from a deletion of two nucleotides at nucleotide positions 2191 to 2192, causing a translational frameshift with a predicted alternate stop codon (p.I731Qfs*4). This exon is located in the near Z-disk region of the N2-B isoform of the titin protein and is constitutively expressed in TTN transcripts (percent spliced in or PSI 100%). This alteration is expected to result in loss of function by premature protein truncation or nonsense-mediated mRNA decay. Truncating variants in the A-band of titin are the most common cause of dilated cardiomyopathy (DCM), and, regardless of their position, truncating variants encoded in constitutive exons (PSI >90%) have been found to be significantly associated with DCM (Herman DS et al. N. Engl. J. Med., 2012 Feb;366:619-28; Roberts AM et al. Sci Transl Med, 2015 Jan;7:270ra6; Schafer S et al. Nat. Genet., 2017 01;49:46-53). However, TTN truncating variants have also been reported in 1-3% of the general population (Herman DS et al. N. Engl. J. Med. 2012;366:619-28). Based on the available evidence, the clinical significance of this variant remains unclear.

NM_001267550.2(TTN):c.2329_2330del (p.Ile777fs)

Gene: TTN (titin; minus strand). Cytogenetic location: 2q31.2.
Variant type: Microsatellite.
Coding change: c.2329_2330del on transcript NM_001267550.2 (MANE Select); coding-DNA positions 2329 to 2330, 2 bases deleted (AT; older notation c.2329_2330delAT).
Protein change: p.Ile777fs; shifts the reading frame from isoleucine 777.
Molecular consequence: frameshift variant.
Genome position (GRCh38, 1-based): chr2:178,785,888-178,785,889, AT deleted on the plus strand (AT on the coding strand, the reverse complement: TTN is on the minus strand); deleting any 2 consecutive bases within chr2:178,785,888-178,785,891 gives the same sequence; the c. name uses the placement nearest the transcript's 3' end. VCF-style (leftmost placement, unchanged base first): chr2-178785887-GAT-G. GRCh37 (hg19) VCF-style: chr2-179650614-GAT-G.
Other names: c.2329_2330del, p.Ile777fs (NM_001256850.1, NM_133378.4, NM_133379.5); c.2191_2192del, p.Ile731fs (NM_003319.4, NM_133432.3, NM_133437.4); c.2191_2192delAT (NM_003319.4); short protein forms I731fs, I777fs.
Identifiers: ClinVar variation 3463803 (VCV003463803.1).